The following is an entry in ClinVar:

NM_004628.5(XPC):c.299+1G>A

Gene: XPC (XPC complex subunit, DNA damage recognition and repair factor; minus strand). Cytogenetic location: 3p25.1.
Variant type: single nucleotide variant.
Coding change: c.299+1G>A on transcript NM_004628.5 (MANE Select); the canonical splice donor site of the intron after coding-DNA position 299, G replaced by A.
Molecular consequence: splice donor variant.
Genome position (GRCh38, 1-based): chr3:14,172,866, C>T on the plus strand (G>A on the coding strand, the complement: XPC is on the minus strand). VCF-style: chr3-14172866-C-T. GRCh37 (hg19) VCF-style: chr3-14214366-C-T.
Other names: c.281+1G>A (NM_001354729.2); c.-157+1G>A (NM_001354726.2); c.299+1G>A (NM_001354730.2, NM_001354727.2).
Identifiers: ClinVar variation 551510 (VCV000551510.11), dbSNP rs1553607744, ClinGen allele CA351542988.

ClinVar aggregate classification (germline): Likely pathogenic. Review status: criteria provided, multiple submitters, no conflicts (2 of 4 stars). 4 submissions from 4 submitters: Likely pathogenic (3). 1 of the submissions does not count toward it. Last evaluated 2024-05-26.

Conditions:
Xeroderma pigmentosum, group C (XPC). Also called: Xeroderma pigmentosum, complementation group C; XERODERMA PIGMENTOSUM III; XP, GROUP C; XPC-Related Xeroderma Pigmentosum. Identifiers: Orphanet 910, MedGen C2752147, MONDO:0010211, OMIM 278720.

Allele frequency attached by ClinVar (database versions not stated): gnomAD exomes 0.00001.
gnomAD v4.1: 3 of 1,613,526 alleles (0.00019%); highest among the groups gnomAD compares: Non-Finnish European, 0.00025%; no homozygotes.

Submissions (4):

Fulgent Genetics
Classification: Likely pathogenic for Xeroderma pigmentosum, group C. Last evaluated: 2024-05-26. Review status: criteria provided, single submitter. Criteria: ACMG Guidelines, 2015. Collection method: clinical testing. Allele origin: germline.

Labcorp Genetics (formerly Invitae), Labcorp
Classification: Likely pathogenic. Last evaluated: 2024-01-30. Review status: criteria provided, single submitter. Criteria: Invitae Variant Classification Sherloc (09022015). Collection method: clinical testing. Allele origin: germline.
Comment: This sequence change affects a donor splice site in intron 2 of the XPC gene. It is expected to disrupt RNA splicing. Variants that disrupt the donor or acceptor splice site typically lead to a loss of protein function (PMID: 16199547), and loss-of-function variants in XPC are known to be pathogenic (PMID: 23173980, 25256075). This variant is not present in population databases (gnomAD no frequency). Disruption of this splice site has been observed in individual(s) with xeroderma pigmentosum (PMID: 27607234). ClinVar contains an entry for this variant (Variation ID: 551510). Algorithms developed to predict the effect of sequence changes on RNA splicing suggest that this variant may disrupt the consensus splice site. In summary, the currently available evidence indicates that the variant is pathogenic, but additional data are needed to prove that conclusively. Therefore, this variant has been classified as Likely Pathogenic.

Baylor Genetics
Classification: Likely pathogenic for Xeroderma pigmentosum, group C. Last evaluated: 2023-02-24. Review status: criteria provided, single submitter. Criteria: ACMG Guidelines, 2015. Collection method: clinical testing. Allele origin: unknown.

Counsyl
Classification: Likely pathogenic for Xeroderma pigmentosum, group C. Last evaluated: 2017-05-02. Review status: no assertion criteria provided. Collection method: clinical testing. Allele origin: unknown. Not counted in ClinVar's aggregate classification.

Literature cited by the submitters: PubMed 16199547 (cited by Labcorp Genetics (formerly Invitae), Labcorp); PubMed 23173980 (cited by Labcorp Genetics (formerly Invitae), Labcorp); PubMed 25256075 (cited by Labcorp Genetics (formerly Invitae), Labcorp); PubMed 27607234 (cited by Labcorp Genetics (formerly Invitae), Labcorp).